The following is an entry in ClinVar:

ClinVar aggregate classification (germline): Likely benign (1 of 4 stars; one submission).

Allele frequency attached by ClinVar (database versions not stated): 1000 Genomes Project 30x 0.00016; ExAC 0.00018; gnomAD 0.00045 and 0.00048; TOPMed 0.00056.
gnomAD v4.1: 118 of 1,519,214 alleles (0.0078%); highest among the groups gnomAD compares: African/African-American, 0.14%; no homozygotes.

Submission:

GeneDx
Classification: Likely benign. Last evaluated: 2017-06-06. Review status: criteria provided, single submitter. Criteria: GeneDx Variant Classification (06012015). Collection method: clinical testing. Allele origin: germline. Affected: yes.
Comment: This variant is considered likely benign or benign based on one or more of the following criteria: it is a conservative change, it occurs at a poorly conserved position in the protein, it is predicted to be benign by multiple in silico algorithms, and/or has population frequency not consistent with disease.

NM_018297.4(NGLY1):c.-28C>T

Genes: NGLY1 (N-glycanase 1; minus strand), LOC129936379 (ATAC-STARR-seq lymphoblastoid silent region 14147; plus strand). Cytogenetic location: 3p24.2.
Variant type: single nucleotide variant.
Coding change: c.-28C>T on transcript NM_018297.4 (MANE Select); 28 bases upstream of the start codon, C replaced by T.
Molecular consequence: 5 prime UTR variant. On other transcripts: intron variant (1).
Genome position (GRCh38, 1-based): chr3:25,783,418, G>A on the plus strand (C>T on the coding strand, the complement: NGLY1 is on the minus strand). VCF-style: chr3-25783418-G-A. GRCh37 (hg19) VCF-style: chr3-25824909-G-A.
Other names: c.-28C>T (NM_001145293.2, NM_001145295.2); c.6-4730C>T (NM_001145294.2).
Identifiers: ClinVar variation 509559 (VCV000509559.1), dbSNP rs766094136, ClinGen allele CA2289621.